The following is an entry in ClinVar:

NM_001378414.1(HDAC4):c.2150del (p.Gln717fs)

Gene: HDAC4 (histone deacetylase 4; minus strand). Cytogenetic location: 2q37.3.
Variant type: Deletion.
Coding change: c.2150del on transcript NM_001378414.1 (MANE Select); coding-DNA position 2150, one base deleted (A; older notation c.2150delA).
Protein change: p.Gln717fs; shifts the reading frame from glutamine 717.
Molecular consequence: frameshift variant.
Genome position (GRCh38, 1-based): chr2:239,102,859, T deleted on the plus strand (A on the coding strand, the reverse complement: HDAC4 is on the minus strand). VCF-style (leftmost placement, unchanged base first): chr2-239102858-CT-C. GRCh37 (hg19) VCF-style: chr2-240024554-CT-C.
Other names: c.2135delA (NM_006037.3); c.2150del, p.Gln717fs (NM_001378415.1); c.2135del, p.Gln712fs (NM_001378416.1, NM_001378417.1, NM_006037.4); c.2135del (NM_006037.3); short protein forms Q712fs, Q717fs.
Identifiers: ClinVar variation 450837 (VCV000450837.3), dbSNP rs1553615789, ClinGen allele CA658657261.
Genomic context (GRCh38, chr2:239,102,858, plus strand): 5'-TTTCTGCCGGTTGAGGGGGTTCGTGCCATACAGGAGGGTGTGGGCTTCCGAGTGCACCGT[CT>C]GTAGCTCCTCCAGGGTGGCCTTGCGTCCGCGGATGCACTGTGGGGACAGGCGAGAGGACA-3'

ClinVar aggregate classification (germline): Likely pathogenic (1 of 4 stars; one submission).

Submission:

GeneDx
Classification: Likely pathogenic. Last evaluated: 2026-07-26. Review status: criteria provided, single submitter. Criteria: GeneDx Variant Classification Process June 2021. Collection method: clinical testing. Allele origin: germline.
Comment: Frameshift variant predicted to result in protein truncation or nonsense mediated decay in a gene for which loss of function is a known mechanism of disease; Not observed at significant frequency in large population cohorts (gnomAD); Has not been previously published as pathogenic or benign to our knowledge